The following is an entry in ClinVar:

NM_019066.5(MAGEL2):c.344C>T (p.Pro115Leu)

Gene: MAGEL2 (MAGE family member L2; minus strand). Cytogenetic location: 15q11.2.
Variant type: single nucleotide variant.
Coding change: c.344C>T on transcript NM_019066.5 (MANE Select); coding-DNA position 344, C replaced by T.
Protein change: p.Pro115Leu; replaces proline 115 with leucine.
Molecular consequence: missense variant.
Genome position (GRCh38, 1-based): chr15:23,647,399, G>A on the plus strand (C>T on the coding strand, the complement: MAGEL2 is on the minus strand). VCF-style: chr15-23647399-G-A. GRCh37 (hg19) VCF-style: chr15-23892546-G-A.
Other names: c.344C>T (NM_019066.4); short protein forms P115L.
Identifiers: ClinVar variation 2965755 (VCV002965755.5), dbSNP rs975596806, ClinGen allele CA267661667.

ClinVar aggregate classification (germline): Uncertain significance. Review status: criteria provided, multiple submitters, no conflicts (2 of 4 stars). 2 submissions from 2 submitters: Uncertain significance (2). Last evaluated 2026-03-13.

Conditions:
MAGEL2-related disorder. Also called: MAGEL2-related condition.

Allele frequency attached by ClinVar (database versions not stated): gnomAD exomes below 0.00001; gnomAD 0.00001; TOPMed 0.00003.
gnomAD v4.1: 5 of 1,536,572 alleles (0.00033%); highest among the groups gnomAD compares: African/African-American, 0.0041%; no homozygotes.

Submissions (2):

PreventionGenetics, part of Exact Sciences
Classification: Uncertain significance for MAGEL2-related condition. Last evaluated: 2026-03-13. Review status: criteria provided, single submitter. Criteria: ACMG Guidelines, 2015. Collection method: clinical testing. Allele origin: germline.
Comment: The MAGEL2 c.344C>T variant is predicted to result in the amino acid substitution p.Pro115Leu. To our knowledge, this variant has not been reported in the literature or in a large population database (gnomAD), indicating this variant is rare. At this time, the clinical significance of this variant is uncertain due to the absence of conclusive functional and genetic evidence.

Labcorp Genetics (formerly Invitae), Labcorp
Classification: Uncertain significance. Last evaluated: 2024-06-29. Review status: criteria provided, single submitter. Criteria: Invitae Variant Classification Sherloc (09022015). Collection method: clinical testing. Allele origin: germline.
Comment: This sequence change replaces proline, which is neutral and non-polar, with leucine, which is neutral and non-polar, at codon 115 of the MAGEL2 protein (p.Pro115Leu). This variant is not present in population databases (gnomAD no frequency). This variant has not been reported in the literature in individuals affected with MAGEL2-related conditions. Experimental studies and prediction algorithms are not available or were not evaluated, and the functional significance of this variant is currently unknown. In summary, the available evidence is currently insufficient to determine the role of this variant in disease. Therefore, it has been classified as a Variant of Uncertain Significance.